The following is an entry in ClinVar:

NM_003183.6(ADAM17):c.1442C>T (p.Ser481Leu)

Genes: ADAM17 (ADAM metallopeptidase domain 17; minus strand), IAH1 (isoamyl acetate hydrolyzing esterase 1 (putative); plus strand). Cytogenetic location: 2p25.1.
Variant type: single nucleotide variant.
Coding change: c.1442C>T on transcript NM_003183.6 (MANE Select); coding-DNA position 1442, C replaced by T.
Protein change: p.Ser481Leu; replaces serine 481 with leucine.
Molecular consequence: missense variant.
Genome position (GRCh38, 1-based): chr2:9,505,268, G>A on the plus strand (C>T on the coding strand, the complement: ADAM17 is on the minus strand). VCF-style: chr2-9505268-G-A. GRCh37 (hg19) VCF-style: chr2-9645397-G-A.
Other names: c.782C>T, p.Ser261Leu (NM_001382777.1); c.545C>T, p.Ser182Leu (NM_001382778.1); short protein forms S182L, S261L, S481L.
Identifiers: ClinVar variation 1509275 (VCV001509275.6), dbSNP rs760407268, ClinGen allele CA1523498.

ClinVar aggregate classification (germline): Uncertain significance (1 of 4 stars; one submission).

Conditions:
Inflammatory skin and bowel disease, neonatal, 1. Identifiers: Orphanet 294023, MedGen C3280501, MONDO:0013693, OMIM 614328.

Allele frequency attached by ClinVar (database versions not stated): TOPMed below 0.00001; ExAC 0.00001; gnomAD 0.00001; gnomAD exomes 0.00001.
gnomAD v4.1: 76 of 1,613,912 alleles (0.0047%); highest among the groups gnomAD compares: Non-Finnish European, 0.0062%; no homozygotes.

Submission:

Labcorp Genetics (formerly Invitae), Labcorp
Classification: Uncertain significance for Inflammatory skin and bowel disease, neonatal, 1. Last evaluated: 2025-09-15. Review status: criteria provided, single submitter. Criteria: Invitae Variant Classification Sherloc (09022015). Collection method: clinical testing. Allele origin: germline.
Comment: This sequence change replaces serine, which is neutral and polar, with leucine, which is neutral and non-polar, at codon 481 of the ADAM17 protein (p.Ser481Leu). This variant is present in population databases (rs760407268, gnomAD 0.008%). This variant has not been reported in the literature in individuals affected with ADAM17-related conditions. ClinVar contains an entry for this variant (Variation ID: 1509275). An algorithm developed to predict the effect of missense changes on protein structure and function (PolyPhen-2) suggests that this variant is likely to be tolerated. In summary, the available evidence is currently insufficient to determine the role of this variant in disease. Therefore, it has been classified as a Variant of Uncertain Significance.